The following is an entry in ClinVar:

ClinVar aggregate classification (germline): Uncertain significance (1 of 4 stars; one submission).

Conditions:
Cardiovascular phenotype. Identifiers: MedGen CN230736.

Submission:

Ambry Genetics
Classification: Uncertain significance for Cardiovascular phenotype. Last evaluated: 2026-03-20. Review status: criteria provided, single submitter. Criteria: Ambry Variant Classification Scheme 2023. Collection method: clinical testing. Allele origin: germline.
Comment: The p.G289S variant (also known as c.865G>A), located in coding exon 7 of the ENG gene, results from a G to A substitution at nucleotide position 865. The glycine at codon 289 is replaced by serine, an amino acid with similar properties. This amino acid position is conserved. In addition, this alteration is predicted to be tolerated by in silico analysis. Based on the available evidence, the clinical significance of this variant remains unclear.

NM_001114753.3(ENG):c.865G>A (p.Gly289Ser)

Gene: ENG (endoglin; minus strand). Cytogenetic location: 9q34.11.
Variant type: single nucleotide variant.
Coding change: c.865G>A on transcript NM_001114753.3 (MANE Select); coding-DNA position 865, G replaced by A.
Protein change: p.Gly289Ser; replaces glycine 289 with serine.
Molecular consequence: missense variant.
Genome position (GRCh38, 1-based): chr9:127,824,926, C>T on the plus strand (G>A on the coding strand, the complement: ENG is on the minus strand). VCF-style: chr9-127824926-C-T. GRCh37 (hg19) VCF-style: chr9-130587205-C-T.
Other names: c.865G>A, p.Gly289Ser (NM_000118.4, NM_001406715.1); c.319G>A, p.Gly107Ser (NM_001278138.2); short protein forms G107S, G289S.
Identifiers: ClinVar variation 4870429 (VCV004870429.1).